The following is an entry in ClinVar:

ClinVar aggregate classification (germline): Uncertain significance (1 of 4 stars; one submission).

Allele frequency attached by ClinVar (database versions not stated): gnomAD exomes below 0.00001; TOPMed below 0.00001.
gnomAD v4.1: 1 of 1,613,866 alleles (0.000062%); highest among the groups gnomAD compares: Non-Finnish European, 0.000085%; no homozygotes.

Submission:

Labcorp Genetics (formerly Invitae), Labcorp
Classification: Uncertain significance. Last evaluated: 2022-05-05. Review status: criteria provided, single submitter. Criteria: Invitae Variant Classification Sherloc (09022015). Collection method: clinical testing. Allele origin: germline.
Comment: This sequence change replaces tyrosine, which is neutral and polar, with serine, which is neutral and polar, at codon 1476 of the NBAS protein (p.Tyr1476Ser). This variant is not present in population databases (gnomAD no frequency). This variant has not been reported in the literature in individuals affected with NBAS-related conditions. Algorithms developed to predict the effect of missense changes on protein structure and function (SIFT, PolyPhen-2, Align-GVGD) all suggest that this variant is likely to be disruptive. In summary, the available evidence is currently insufficient to determine the role of this variant in disease. Therefore, it has been classified as a Variant of Uncertain Significance.

NM_015909.4(NBAS):c.4427A>C (p.Tyr1476Ser)

Gene: NBAS (NBAS subunit of NRZ tethering complex; minus strand). Cytogenetic location: 2p24.3.
Variant type: single nucleotide variant.
Coding change: c.4427A>C on transcript NM_015909.4 (MANE Select); coding-DNA position 4427, A replaced by C.
Protein change: p.Tyr1476Ser; replaces tyrosine 1476 with serine.
Molecular consequence: missense variant. On other transcripts: non-coding transcript variant (1).
Genome position (GRCh38, 1-based): chr2:15,328,233, T>G on the plus strand (A>C on the coding strand, the complement: NBAS is on the minus strand). VCF-style: chr2-15328233-T-G. GRCh37 (hg19) VCF-style: chr2-15468357-T-G.
Other names: short protein forms Y1476S.
Identifiers: ClinVar variation 1958737 (VCV001958737.2), dbSNP rs1672166474, ClinGen allele CA345895756.